The following is an entry in ClinVar:

NM_001184.4(ATR):c.6167A>G (p.Asn2056Ser)

Genes: ATR (ATR checkpoint kinase; minus strand), LOC126806830 (BRD4-independent group 4 enhancer GRCh37_chr3:142203676-142204875; plus strand). Cytogenetic location: 3q23.
Variant type: single nucleotide variant.
Coding change: c.6167A>G on transcript NM_001184.4 (MANE Select); coding-DNA position 6167, A replaced by G.
Protein change: p.Asn2056Ser; replaces asparagine 2056 with serine.
Molecular consequence: missense variant.
Genome position (GRCh38, 1-based): chr3:142,485,194, T>C on the plus strand (A>G on the coding strand, the complement: ATR is on the minus strand). VCF-style: chr3-142485194-T-C. GRCh37 (hg19) VCF-style: chr3-142204036-T-C.
Other names: c.5975A>G, p.Asn1992Ser (NM_001354579.2); short protein forms N1992S, N2056S.
Identifiers: ClinVar variation 1751975 (VCV001751975.6), dbSNP rs1385622581, ClinGen allele CA354809590.

ClinVar aggregate classification (germline): Uncertain significance. Review status: criteria provided, multiple submitters, no conflicts (2 of 4 stars). 2 submissions from 2 submitters: Uncertain significance (2). Last evaluated 2023-12-14.

Conditions:
Inborn genetic diseases. Identifiers: MedGen C0950123, MeSH D030342.

Allele frequency attached by ClinVar (database versions not stated): gnomAD exomes below 0.00001; TOPMed below 0.00001.
gnomAD v4.1: 2 of 1,614,164 alleles (0.00012%); highest among the groups gnomAD compares: South Asian, 0.0022%; no homozygotes.

Submissions (2):

Ambry Genetics
Classification: Uncertain significance for Inborn genetic diseases. Last evaluated: 2023-12-14. Review status: criteria provided, single submitter. Criteria: Ambry Variant Classification Scheme 2023. Collection method: clinical testing. Allele origin: germline.
Comment: The p.N2056S variant (also known as c.6167A>G), located in coding exon 36 of the ATR gene, results from an A to G substitution at nucleotide position 6167. The asparagine at codon 2056 is replaced by serine, an amino acid with highly similar properties. This amino acid position is conserved. In addition, this alteration is predicted to be tolerated by in silico analysis. Since supporting evidence is limited at this time, the clinical significance of this alteration remains unclear.

Labcorp Genetics (formerly Invitae), Labcorp
Classification: Uncertain significance. Last evaluated: 2022-11-08. Review status: criteria provided, single submitter. Criteria: Invitae Variant Classification Sherloc (09022015). Collection method: clinical testing. Allele origin: germline.
Comment: This variant has not been reported in the literature in individuals affected with ATR-related conditions. In summary, the available evidence is currently insufficient to determine the role of this variant in disease. Therefore, it has been classified as a Variant of Uncertain Significance. Algorithms developed to predict the effect of missense changes on protein structure and function are either unavailable or do not agree on the potential impact of this missense change (SIFT: "Tolerated"; PolyPhen-2: "Probably Damaging"; Align-GVGD: "Class C0"). This variant is present in population databases (no rsID available, gnomAD 0.003%). This sequence change replaces asparagine, which is neutral and polar, with serine, which is neutral and polar, at codon 2056 of the ATR protein (p.Asn2056Ser).